The following is an entry in ClinVar:

ClinVar aggregate classification (germline): Uncertain significance (1 of 4 stars; one submission).

Conditions:
Retinitis pigmentosa 12 (RP12). Also called: RP WITH OR WITHOUT PRESERVED PARAARTERIOLE RETINAL PIGMENT EPITHELIUM; RETINITIS PIGMENTOSA WITH OR WITHOUT PARAARTERIOLAR PRESERVATION OF RETINAL PIGMENT EPITHELIUM; RP WITH OR WITHOUT PPRPE. Identifiers: Orphanet 791, MedGen C1838647, MONDO:0010818, OMIM 600105.
Leber congenital amaurosis 8 (LCA8). Identifiers: Orphanet 65, MedGen C3151202, MONDO:0013453, OMIM 613835.

Allele frequency attached by ClinVar (database versions not stated): gnomAD exomes below 0.00001; ExAC 0.00001; gnomAD 0.00001 and 0.00002; TOPMed 0.00001.
gnomAD v4.1: 8 of 1,614,124 alleles (0.0005%); highest among the groups gnomAD compares: South Asian, 0.0022%; no homozygotes.

Submission:

Labcorp Genetics (formerly Invitae), Labcorp
Classification: Uncertain significance for Leber congenital amaurosis 8; Retinitis pigmentosa 12. Last evaluated: 2025-05-05. Review status: criteria provided, single submitter. Criteria: Invitae Variant Classification Sherloc (09022015). Collection method: clinical testing. Allele origin: germline.
Comment: This sequence change replaces methionine, which is neutral and non-polar, with valine, which is neutral and non-polar, at codon 70 of the CRB1 protein (p.Met70Val). This variant is present in population databases (rs771462053, gnomAD 0.003%). This variant has not been reported in the literature in individuals affected with CRB1-related conditions. ClinVar contains an entry for this variant (Variation ID: 1419094). Invitae Evidence Modeling of protein sequence and biophysical properties (such as structural, functional, and spatial information, amino acid conservation, physicochemical variation, residue mobility, and thermodynamic stability) indicates that this missense variant is not expected to disrupt CRB1 protein function with a negative predictive value of 95%. In summary, the available evidence is currently insufficient to determine the role of this variant in disease. Therefore, it has been classified as a Variant of Uncertain Significance.

NM_201253.3(CRB1):c.208A>G (p.Met70Val)

Gene: CRB1 (crumbs cell polarity complex component 1; plus strand). Cytogenetic location: 1q31.3.
Variant type: single nucleotide variant.
Coding change: c.208A>G on transcript NM_201253.3 (MANE Select); coding-DNA position 208, A replaced by G.
Protein change: p.Met70Val; replaces methionine 70 with valine.
Molecular consequence: missense variant. On other transcripts: initiator codon variant (1), non-coding transcript variant (2).
Genome position (GRCh38, 1-based): chr1:197,328,559, A>G. VCF-style: chr1-197328559-A-G. GRCh37 (hg19) VCF-style: chr1-197297689-A-G.
Other names: c.208A>G, p.Met70Val (NM_001193640.2, NM_001257966.2); c.1A>G, p.Met1Val (NM_001257965.2); short protein forms M70V, M1V.
Identifiers: ClinVar variation 1419094 (VCV001419094.4), dbSNP rs771462053, ClinGen allele CA1311595.
Genomic context (GRCh38, chr1:197,328,559, plus strand): 5'-AAAGACAATGATTGTTCTTGTTCAGACACAGCCAATAATTTGGACAAAGACTGTGACAAC[A>G]TGAAAGACCCTTGCTTCTCCAATCCCTGTCAAGGAAGTGCCACTTGTGTGAACACCCCAG-3'
Protein context (NP_957705.1, residues 60-80): ANNLDKDCDN[Met70Val]KDPCFSNPCQ